The following is an entry in ClinVar:

ClinVar aggregate classification (germline): Pathogenic (1 of 4 stars; one submission).

Conditions:
Bardet-Biedl syndrome (BBS). Identifiers: Orphanet 110, MedGen C0752166, MONDO:0015229.
McKusick-Kaufman syndrome (MKKS). Also called: HYDROMETROCOLPOS SYNDROME; HYDROMETROCOLPOS, POSTAXIAL POLYDACTYLY, AND CONGENITAL HEART MALFORMATION. Identifiers: Orphanet 2473, MedGen C0948368, MONDO:0009367, OMIM 236700.

Submission:

Labcorp Genetics (formerly Invitae), Labcorp
Classification: Pathogenic for McKusick-Kaufman syndrome; Bardet-Biedl syndrome. Last evaluated: 2024-01-09. Review status: criteria provided, single submitter. Criteria: Invitae Variant Classification Sherloc (09022015). Collection method: clinical testing. Allele origin: germline.
Comment: This sequence change creates a premature translational stop signal (p.Lys13*) in the MKKS gene. It is expected to result in an absent or disrupted protein product. Loss-of-function variants in MKKS are known to be pathogenic (PMID: 11179009, 28761321, 30614526). This variant is not present in population databases (gnomAD no frequency). This variant has not been reported in the literature in individuals affected with MKKS-related conditions. For these reasons, this variant has been classified as Pathogenic.

Literature cited by the submitters: PubMed 11179009; PubMed 28761321; PubMed 30614526.

NM_170784.3(MKKS):c.36dup (p.Lys13Ter)

Gene: MKKS (MKKS centrosomal shuttling protein; minus strand). Cytogenetic location: 20p12.2.
Variant type: Duplication.
Coding change: c.36dup on transcript NM_170784.3 (MANE Select); coding-DNA position 36, one base duplicated (T; older notation c.36dupT).
Protein change: p.Lys13Ter; replaces lysine 13 with a stop codon.
Molecular consequence: nonsense.
Genome position (GRCh38, 1-based): chr20:10,413,479, A duplicated on the plus strand (T on the coding strand, the reverse complement: MKKS is on the minus strand). VCF-style (leftmost placement, unchanged base first): chr20-10413478-T-TA. GRCh37 (hg19) VCF-style: chr20-10394126-T-TA.
Other names: c.36dup, p.Lys13Ter (NM_018848.3); short protein forms K13*.
Identifiers: ClinVar variation 2922066 (VCV002922066.3), dbSNP rs2514498304, ClinGen allele CA2740097003.